The following is an entry in ClinVar:

NM_000512.5(GALNS):c.374C>T (p.Pro125Leu)

Gene: GALNS (galactosamine (N-acetyl)-6-sulfatase; minus strand). Cytogenetic location: 16q24.3.
Variant type: single nucleotide variant.
Coding change: c.374C>T on transcript NM_000512.5 (MANE Select); coding-DNA position 374, C replaced by T.
Protein change: p.Pro125Leu; replaces proline 125 with leucine.
Molecular consequence: missense variant. On other transcripts: 5 prime UTR variant (1).
Genome position (GRCh38, 1-based): chr16:88,841,040, G>A on the plus strand (C>T on the coding strand, the complement: GALNS is on the minus strand). VCF-style: chr16-88841040-G-A. GRCh37 (hg19) VCF-style: chr16-88907448-G-A.
Other names: c.-182C>T (NM_001323543.2); c.392C>T, p.Pro131Leu (NM_001323544.2); short protein forms P125L, P131L.
Identifiers: ClinVar variation 873151 (VCV000873151.19), dbSNP rs746949976, ClinGen allele CA8235183.
Genomic context (GRCh38, chr16:88,841,040, plus strand): 5'-CAGGAGACTTACCACTTGCCGACAATCTTGCTGACGTAGCCGGCCTTCTTCAGAAGCTCC[G>A]GCAGGAGCTGCTCCGAGTCTGGGATGCCGCCCACAATCTCCTGCGGTGTGTAGGCTGGAA-3'
Protein context (NP_000503.1, residues 115-135): GGIPDSEQLL[Pro125Leu]ELLKKAGYVS

ClinVar aggregate classification (germline): Pathogenic/Likely pathogenic. Review status: criteria provided, multiple submitters, no conflicts (2 of 4 stars). 5 submissions from 5 submitters: Pathogenic (2); Likely pathogenic (3). Last evaluated 2024-09-30.

Conditions:
GALNS-related disorders.
Mucopolysaccharidosis, MPS-IV-A (MPS4A). Also called: MPS IVA; Morquio syndrome A, mild; GALACTOSAMINE-6-SULFATASE DEFICIENCY; GALNS DEFICIENCY; MORQUIO A DISEASE; MORQUIO SYNDROME A. Identifiers: Orphanet 309297, Orphanet 582, MedGen C0086651, MONDO:0009659, OMIM 253000.

Allele frequency attached by ClinVar (database versions not stated): gnomAD exomes below 0.00001; ExAC 0.00001.
gnomAD v4.1: 13 of 1,613,178 alleles (0.00081%); highest among the groups gnomAD compares: East Asian, 0.0022%; no homozygotes.

Submissions (5):

Labcorp Genetics (formerly Invitae), Labcorp
Classification: Pathogenic for Mucopolysaccharidosis, MPS-IV-A. Last evaluated: 2024-09-30. Review status: criteria provided, single submitter. Criteria: Invitae Variant Classification Sherloc (09022015). Collection method: clinical testing. Allele origin: germline.
Comment: This sequence change replaces proline, which is neutral and non-polar, with leucine, which is neutral and non-polar, at codon 125 of the GALNS protein (p.Pro125Leu). This variant is present in population databases (rs746949976, gnomAD 0.006%). This missense change has been observed in individual(s) with mucopolysaccharidosis type IVA (PMID: 9375852, 15241807, 24035930, 30458289). In at least one individual the data is consistent with being in trans (on the opposite chromosome) from a pathogenic variant. ClinVar contains an entry for this variant (Variation ID: 873151). Invitae Evidence Modeling of protein sequence and biophysical properties (such as structural, functional, and spatial information, amino acid conservation, physicochemical variation, residue mobility, and thermodynamic stability) indicates that this missense variant is expected to disrupt GALNS protein function with a positive predictive value of 95%. Experimental studies have shown that this missense change affects GALNS function (PMID: 10814710). For these reasons, this variant has been classified as Pathogenic.

Fulgent Genetics
Classification: Pathogenic for Mucopolysaccharidosis, MPS-IV-A. Last evaluated: 2024-03-27. Review status: criteria provided, single submitter. Criteria: ACMG Guidelines, 2015. Collection method: clinical testing. Allele origin: germline.

Blueprint Genetics
Classification: Likely pathogenic for GALNS-related disorders. Last evaluated: 2021-12-19. Review status: criteria provided, single submitter. Criteria: ACMG Guidelines, 2015. Collection method: clinical testing. Allele origin: germline. Affected: yes. Observed: 2 variant alleles.

Laboratory of Diagnosis and Therapy of Lysosomal Disorders, University of Padova
Classification: Likely pathogenic for Mucopolysaccharidosis, MPS-IV-A. Last evaluated: 2021-02-01. Review status: criteria provided, single submitter. Criteria: ACMG Guidelines, 2015. Collection method: research. Allele origin: germline. Affected: yes.
Comment: In vitro and in vivo functional studies supportive of a damaging effect on the gene product (low to null enzymatic activity in homozygotes; low to null in vitro enzymatic activity; PS3_moderate); the prevalence of the variant in affected individuals is significantly increased compared with the prevalence in controls (PS4_strong); absent from gnomAD v2.1.1 (PM2_moderate); multiple lines of computational evidence support a deleterious effect on the gene (PP3_supporting)

Foundation for Research in Genetics and Endocrinology, FRIGE's Institute of Human Genetics
Classification: Likely pathogenic for Mucopolysaccharidosis, MPS-IV-A. Review status: criteria provided, single submitter. Criteria: ACMG Guidelines, 2015. Collection method: clinical testing. Allele origin: germline. Inheritance: Autosomal recessive inheritance. Affected: yes. Observed: 1 compound heterozygote.
Comment: A compound heterozygous missense variation in exon 4 of the GALNS gene that results in the amino acid substitution of Leucine for Proline at amino acid position 125 was detected. The observed variant c.374C>T (p.Pro125Leu) has not been reported in the 1000 genomes and ExAC databases. The in silico prediction of the variant is damaging by LRT and MutationTaster2. The reference codon is conserved across species. The allele frequency of the variant is 0.00000399 in gnomAD Exomes. In summary, the variant meets our criteria to be classified as likely pathogenic.

Literature cited by the submitters: PubMed 9375852 (cited by Labcorp Genetics (formerly Invitae), Labcorp and Laboratory of Diagnosis and Therapy of Lysosomal Disorders, University of Padova); PubMed 15241807 (cited by Labcorp Genetics (formerly Invitae), Labcorp and Laboratory of Diagnosis and Therapy of Lysosomal Disorders, University of Padova); PubMed 24035930 (cited by Labcorp Genetics (formerly Invitae), Labcorp and Laboratory of Diagnosis and Therapy of Lysosomal Disorders, University of Padova); PubMed 30458289 (cited by Labcorp Genetics (formerly Invitae), Labcorp and Laboratory of Diagnosis and Therapy of Lysosomal Disorders, University of Padova); PubMed 10814710 (cited by Labcorp Genetics (formerly Invitae), Labcorp); PubMed 21644215 (cited by Laboratory of Diagnosis and Therapy of Lysosomal Disorders, University of Padova); PubMed 23876334 (cited by Laboratory of Diagnosis and Therapy of Lysosomal Disorders, University of Padova); PubMed 25545067 (cited by Laboratory of Diagnosis and Therapy of Lysosomal Disorders, University of Padova); PubMed 34387910 (cited by Laboratory of Diagnosis and Therapy of Lysosomal Disorders, University of Padova).